The following is an entry in ClinVar:

NM_198053.3(CD247):c.300+3A>G

Gene: CD247 (CD247 molecule; minus strand). Cytogenetic location: 1q24.2.
Variant type: single nucleotide variant.
Coding change: c.300+3A>G on transcript NM_198053.3 (MANE Select); 3 bases into the intron after coding-DNA position 300, A replaced by G.
Molecular consequence: intron variant.
Genome position (GRCh38, 1-based): chr1:167,438,567, T>C on the plus strand (A>G on the coding strand, the complement: CD247 is on the minus strand). VCF-style: chr1-167438567-T-C. GRCh37 (hg19) VCF-style: chr1-167407804-T-C.
Other names: c.300+3A>G (NM_000734.4); c.393+3A>G (NM_001378516.1, NM_001378515.1).
Identifiers: ClinVar variation 953720 (VCV000953720.6), dbSNP rs1259655555, ClinGen allele CA526958264.

ClinVar aggregate classification (germline): Uncertain significance (1 of 4 stars; one submission).

Conditions:
Immunodeficiency 25. Also called: Immunodeficiency due to defect in cd3-zeta, somatic. Identifiers: MedGen C1857798, MONDO:0012426, OMIM 610163.

Allele frequency attached by ClinVar (database versions not stated): gnomAD exomes below 0.00001; TOPMed below 0.00001; gnomAD 0.00001.
gnomAD v4.1: 2 of 1,611,500 alleles (0.00012%); highest among the groups gnomAD compares: Admixed American, 0.0033%; no homozygotes.

Submission:

Labcorp Genetics (formerly Invitae), Labcorp
Classification: Uncertain significance for Immunodeficiency 25. Last evaluated: 2020-12-21. Review status: criteria provided, single submitter. Criteria: Invitae Variant Classification Sherloc (09022015). Collection method: clinical testing. Allele origin: germline.
Comment: In summary, the available evidence is currently insufficient to determine the role of this variant in disease. Therefore, it has been classified as a Variant of Uncertain Significance. Nucleotide substitutions within the consensus splice site are a relatively common cause of aberrant splicing (PMID: 17576681, 9536098). Algorithms developed to predict the effect of sequence changes on RNA splicing suggest that this variant may disrupt the consensus splice site, but this prediction has not been confirmed by published transcriptional studies. This variant has not been reported in the literature in individuals with CD247-related conditions. This variant is not present in population databases (ExAC no frequency). This sequence change falls in intron 4 of the CD247 gene. It does not directly change the encoded amino acid sequence of the CD247 protein, but it affects a nucleotide within the consensus splice site of the intron.

Literature cited by the submitters: PubMed 17576681; PubMed 9536098.